The following is an entry in ClinVar:

NM_001365536.1(SCN9A):c.3400_3405dup (p.Pro1135_Gly1136insLeuPro)

Genes: SCN1A-AS1 (SCN1A and SCN9A antisense RNA 1; plus strand), SCN9A (sodium voltage-gated channel alpha subunit 9; minus strand). Cytogenetic location: 2q24.3.
Variant type: Duplication.
Coding change: c.3400_3405dup on transcript NM_001365536.1 (MANE Select); coding-DNA positions 3400 to 3405, 6 bases duplicated (TTGCCT; older notation c.3400_3405dupTTGCCT).
Protein change: p.Pro1135_Gly1136insLeuPro.
Molecular consequence: inframe insertion. On other transcripts: non-coding transcript variant (1), inframe indel (1).
Genome position (GRCh38, 1-based): chr2:166,251,832-166,251,837, AGGCAA duplicated on the plus strand (TTGCCT on the coding strand, the reverse complement: SCN9A is on the minus strand); duplicating any 6 consecutive bases within chr2:166,251,832-166,251,840 gives the same sequence; the c. name uses the placement nearest the transcript's 3' end. VCF-style (leftmost placement, unchanged base first): chr2-166251831-C-CAGGCAA. GRCh37 (hg19) VCF-style: chr2-167108341-C-CAGGCAA.
Other names: c.3367_3372dupTTGCCT (NM_002977.3); c.3364_3369dup, p.Pro1124_Gly1125insLeuPro (NM_002977.4).
Identifiers: ClinVar variation 471111 (VCV000471111.11), dbSNP rs749806397, ClinGen allele CA1944066.

ClinVar aggregate classification (germline): Uncertain significance (1 of 4 stars; one submission).

Conditions:
Neuropathy, hereditary sensory and autonomic, type 2A (HSAN2A). Also called: ACROOSTEOLYSIS, NEUROGENIC; ACROOSTEOLYSIS, GIACCAI TYPE; MORVAN DISEASE; NEUROPATHY, CONGENITAL SENSORY; NEUROPATHY, HEREDITARY SENSORY RADICULAR, AUTOSOMAL RECESSIVE; NEUROPATHY, HEREDITARY SENSORY, TYPE IIA. Identifiers: Orphanet 970, MedGen C2752089, MONDO:0024309, OMIM 201300.
Generalized epilepsy with febrile seizures plus, type 7 (GEFSP7). Also called: GEFS+, TYPE 7. Identifiers: Orphanet 36387, MedGen C2751778, MONDO:0013470, OMIM 613863.

Submission:

Labcorp Genetics (formerly Invitae), Labcorp
Classification: Uncertain significance for Neuropathy, hereditary sensory and autonomic, type 2A; Generalized epilepsy with febrile seizures plus, type 7. Last evaluated: 2025-11-11. Review status: criteria provided, single submitter. Criteria: Invitae Variant Classification Sherloc (09022015). Collection method: clinical testing. Allele origin: germline.
Comment: This variant, c.3367_3372dup, results in the insertion of 2 amino acid(s) of the SCN9A protein (p.Leu1123_Pro1124dup), but otherwise preserves the integrity of the reading frame. This variant is present in population databases (rs749806397, gnomAD 0.02%). This variant has not been reported in the literature in individuals affected with SCN9A-related conditions. ClinVar contains an entry for this variant (Variation ID: 471111). Experimental studies and prediction algorithms are not available or were not evaluated, and the functional significance of this variant is currently unknown. In summary, the available evidence is currently insufficient to determine the role of this variant in disease. Therefore, it has been classified as a Variant of Uncertain Significance.